The following is an entry in ClinVar:

NM_001848.3(COL6A1):c.1720C>G (p.Arg574Gly)

Gene: COL6A1 (collagen type VI alpha 1 chain; plus strand). Cytogenetic location: 21q22.3.
Variant type: single nucleotide variant.
Coding change: c.1720C>G on transcript NM_001848.3 (MANE Select); coding-DNA position 1720, C replaced by G.
Protein change: p.Arg574Gly; replaces arginine 574 with glycine.
Molecular consequence: missense variant.
Genome position (GRCh38, 1-based): chr21:45,999,198, C>G. VCF-style: chr21-45999198-C-G. GRCh37 (hg19) VCF-style: chr21-47419112-C-G.
Other names: short protein forms R574G.
Identifiers: ClinVar variation 1310081 (VCV001310081.2), dbSNP rs761678568, ClinGen allele CA410530895.
Genomic context (GRCh38, chr21:45,999,198, plus strand): 5'-GCTGTTCCCTTCTAGAACAACGACATTGCACCCCGAGGAGTCAAAGGAGCAAAGGGGTAC[C>G]GGGGTCCCGAGGGCCCCCAGGTGGGTGGATGTGGCTGGGTGAGGCCACGGTGGGCTGTGC-3'
Protein context (NP_001839.2, residues 564-584): PRGVKGAKGY[Arg574Gly]GPEGPQGPPG

ClinVar aggregate classification (germline): Uncertain significance (1 of 4 stars; one submission).

Submission:

GeneDx
Classification: Uncertain significance. Last evaluated: 2019-11-12. Review status: criteria provided, single submitter. Criteria: GeneDx Variant Classification Process June 2021. Collection method: clinical testing. Allele origin: germline. Affected: yes.
Comment: Not observed in large population cohorts (Lek et al., 2016); Has not been previously published as pathogenic or benign to our knowledge; In silico analysis, which includes protein predictors and evolutionary conservation, supports a deleterious effect; In addition, in silico splice predictors suggest this variant may impact gene splicing. In the absence of RNA/functional studies, the actual effect of this sequence change is unknown